The following is an entry in ClinVar:

NM_000038.6(APC):c.928A>G (p.Thr310Ala)

Gene: APC (APC regulator of Wnt signaling pathway; plus strand). Cytogenetic location: 5q22.2.
Variant type: single nucleotide variant.
Coding change: c.928A>G on transcript NM_000038.6 (MANE Select); coding-DNA position 928, A replaced by G.
Protein change: p.Thr310Ala; replaces threonine 310 with alanine.
Molecular consequence: missense variant.
Genome position (GRCh38, 1-based): chr5:112,815,588, A>G. VCF-style: chr5-112815588-A-G. GRCh37 (hg19) VCF-style: chr5-112151285-A-G.
Other names: c.928A>G, p.Thr310Ala (NM_001127510.3, NM_001354895.2, NM_001354896.2 and 1 more transcripts); c.874A>G, p.Thr292Ala (NM_001127511.3); c.958A>G, p.Thr320Ala (NM_001354897.2, NM_001354902.2); c.853A>G, p.Thr285Ala (NM_001354898.2, NM_001354904.2); c.844A>G, p.Thr282Ala (NM_001354899.2); c.751A>G, p.Thr251Ala (NM_001354900.2, NM_001354901.2, NM_001354905.2); c.79A>G, p.Thr27Ala (NM_001354906.2); short protein forms T292A, T310A, T251A, T285A, T320A, T27A, T282A.
Identifiers: ClinVar variation 566535 (VCV000566535.15), dbSNP rs780614007, ClinGen allele CA051108.

ClinVar aggregate classification (germline): Uncertain significance. Review status: criteria provided, multiple submitters, no conflicts (2 of 4 stars). 3 submissions from 3 submitters: Uncertain significance (3). Last evaluated 2024-12-02.

Conditions:
Familial adenomatous polyposis 1 (FAP1). Also called: FAMILIAL ADENOMATOUS POLYPOSIS 1, ATTENUATED; POLYPOSIS, ADENOMATOUS INTESTINAL. Identifiers: MedGen C2713442, MONDO:0021056, OMIM 175100. Disease mechanism: loss of function.
Hereditary cancer-predisposing syndrome. Also called: Neoplastic Syndromes, Hereditary; Tumor predisposition; Hereditary neoplastic syndrome; Hereditary Cancer Syndrome. Identifiers: Orphanet 140162, MedGen C0027672, MeSH D009386, MONDO:0015356.

Allele frequency attached by ClinVar (database versions not stated): gnomAD exomes below 0.00001; ExAC 0.00001.

Submissions (3):

Labcorp Genetics (formerly Invitae), Labcorp
Classification: Uncertain significance for Familial adenomatous polyposis 1. Last evaluated: 2024-12-02. Review status: criteria provided, single submitter. Criteria: Invitae Variant Classification Sherloc (09022015). Collection method: clinical testing. Allele origin: germline.
Comment: This sequence change replaces threonine, which is neutral and polar, with alanine, which is neutral and non-polar, at codon 310 of the APC protein (p.Thr310Ala). This variant is present in population databases (rs780614007, gnomAD 0.003%). This variant has not been reported in the literature in individuals affected with APC-related conditions. ClinVar contains an entry for this variant (Variation ID: 566535). Invitae Evidence Modeling of protein sequence and biophysical properties (such as structural, functional, and spatial information, amino acid conservation, physicochemical variation, residue mobility, and thermodynamic stability) indicates that this missense variant is not expected to disrupt APC protein function with a negative predictive value of 95%. In summary, the available evidence is currently insufficient to determine the role of this variant in disease. Therefore, it has been classified as a Variant of Uncertain Significance.

Color Diagnostics, LLC DBA Color Health
Classification: Uncertain significance for Hereditary cancer-predisposing syndrome. Last evaluated: 2023-01-12. Review status: criteria provided, single submitter. Criteria: ACMG Guidelines, 2015. Collection method: clinical testing. Allele origin: germline.
Comment: This missense variant replaces threonine with alanine at codon 310 of the APC protein. Computational prediction is inconclusive regarding the impact of this variant on protein structure and function (internally defined REVEL score threshold 0.5 < inconclusive < 0.7, PMID: 27666373). To our knowledge, functional studies have not been reported for this variant. This variant has not been reported in individuals affected with APC-related disorders in the literature. This variant has been identified in 1/251100 chromosomes in the general population by the Genome Aggregation Database (gnomAD). The available evidence is insufficient to determine the role of this variant in disease conclusively. Therefore, this variant is classified as a Variant of Uncertain Significance.

Ambry Genetics
Classification: Uncertain significance for Hereditary cancer-predisposing syndrome. Last evaluated: 2020-09-25. Review status: criteria provided, single submitter. Criteria: Ambry Variant Classification Scheme 2023. Collection method: clinical testing. Allele origin: germline.
Comment: The p.T310A variant (also known as c.928A>G), located in coding exon 8 of the APC gene, results from an A to G substitution at nucleotide position 928. The threonine at codon 310 is replaced by alanine, an amino acid with similar properties. This amino acid position is highly conserved in available vertebrate species. In addition, in silico predictors for this gene do not accurately predict pathogenicity. Since supporting evidence is limited at this time, the clinical significance of this alteration remains unclear.